The following is an entry in ClinVar:

NM_015335.5(MED13L):c.2558C>T (p.Pro853Leu)

Gene: MED13L (mediator complex subunit 13L; minus strand). Cytogenetic location: 12q24.21.
Variant type: single nucleotide variant.
Coding change: c.2558C>T on transcript NM_015335.5 (MANE Select); coding-DNA position 2558, C replaced by T.
Protein change: p.Pro853Leu; replaces proline 853 with leucine.
Molecular consequence: missense variant.
Genome position (GRCh38, 1-based): chr12:116,003,014, G>A on the plus strand (C>T on the coding strand, the complement: MED13L is on the minus strand). VCF-style: chr12-116003014-G-A. GRCh37 (hg19) VCF-style: chr12-116440819-G-A.
Other names: short protein forms P853L.
Identifiers: ClinVar variation 2756279 (VCV002756279.3), dbSNP rs1878839436, ClinGen allele CA386891316.
Genomic context (GRCh38, chr12:116,003,014, plus strand): 5'-AAGTTACAGGCAGTGAGCCACAATGGCTCAGTCAAGTTTCTCTACCTACTTGGTGGATAA[G>A]GAACAGCAGCTCTTCCATCCTTCCCAAGAGGTCGGTCTTCTGTCCCAACTGCAGGCATTT-3'
Protein context (NP_056150.1, residues 843-863): PLGKDGRAAV[Pro853Leu]YPPTVADLQR

ClinVar aggregate classification (germline): Uncertain significance (1 of 4 stars; one submission).

Conditions:
Dextro-looped transposition of the great arteries. Also called: Dextrotransposition of the great arteries. Identifiers: Orphanet 860, MedGen C3531771, MONDO:0019443, OMIM 608808, HP:0031348.

gnomAD v4.1: 1 of 1,613,876 alleles (0.000062%); highest among the groups gnomAD compares: Non-Finnish European, 0.000085%; no homozygotes.

Submission:

Labcorp Genetics (formerly Invitae), Labcorp
Classification: Uncertain significance for Dextro-looped transposition of the great arteries. Last evaluated: 2023-08-29. Review status: criteria provided, single submitter. Criteria: Invitae Variant Classification Sherloc (09022015). Collection method: clinical testing. Allele origin: germline.
Comment: In summary, the available evidence is currently insufficient to determine the role of this variant in disease. Therefore, it has been classified as a Variant of Uncertain Significance. Advanced modeling of protein sequence and biophysical properties (such as structural, functional, and spatial information, amino acid conservation, physicochemical variation, residue mobility, and thermodynamic stability) performed at Invitae indicates that this missense variant is not expected to disrupt MED13L protein function. This variant has not been reported in the literature in individuals affected with MED13L-related conditions. This variant is not present in population databases (gnomAD no frequency). This sequence change replaces proline, which is neutral and non-polar, with leucine, which is neutral and non-polar, at codon 853 of the MED13L protein (p.Pro853Leu).